The following is an entry in ClinVar:

ClinVar aggregate classification (germline): Pathogenic (1 of 4 stars; one submission).

Conditions:
Familial thoracic aortic aneurysm and aortic dissection (TAAD). Also called: Thoracic aortic aneurysms and dissections. Identifiers: Orphanet 91387, MedGen C4707243, MONDO:0019625.
Marfan syndrome (MFS). Also called: Marfan syndrome type 1; Marfan's syndrome; Marfan syndrome, classic; MARFAN SYNDROME, TYPE I; FBN1-Related Marfan Syndrome. Identifiers: Orphanet 284963, Orphanet 558, MedGen C0024796, MONDO:0007947, OMIM 154700.

Submission:

Labcorp Genetics (formerly Invitae), Labcorp
Classification: Pathogenic for Marfan syndrome; Familial thoracic aortic aneurysm and aortic dissection. Last evaluated: 2020-12-07. Review status: criteria provided, single submitter. Criteria: Invitae Variant Classification Sherloc (09022015). Collection method: clinical testing. Allele origin: germline.
Comment: For these reasons, this variant has been classified as Pathogenic. Loss-of-function variants in FBN1 are known to be pathogenic (PMID: 17657824, 19293843). This variant has not been reported in the literature in individuals with FBN1-related conditions. This variant is not present in population databases (ExAC no frequency). This sequence change creates a premature translational stop signal (p.Pro416Leufs*32) in the FBN1 gene. It is expected to result in an absent or disrupted protein product.

Literature cited by the submitters: PubMed 17657824; PubMed 19293843.

NM_000138.5(FBN1):c.1245del (p.Pro416fs)

Gene: FBN1 (fibrillin 1; minus strand). Cytogenetic location: 15q21.1.
Variant type: Deletion.
Coding change: c.1245del on transcript NM_000138.5 (MANE Select); coding-DNA position 1245, one base deleted (T; older notation c.1245delT).
Protein change: p.Pro416fs; shifts the reading frame from proline 416.
Molecular consequence: frameshift variant.
Genome position (GRCh38, 1-based): chr15:48,516,265, A deleted on the plus strand (T on the coding strand, the reverse complement: FBN1 is on the minus strand); the first of 2 consecutive A bases (chr15:48,516,265-48,516,266); deleting either gives the same sequence. VCF-style (leftmost placement, unchanged base first): chr15-48516264-GA-G. GRCh37 (hg19) VCF-style: chr15-48808461-GA-G.
Other names: short protein forms P416fs.
Identifiers: ClinVar variation 1075494 (VCV001075494.7), dbSNP rs2141331000, ClinGen allele CA2499223015.